The following is an entry in ClinVar:

ClinVar aggregate classification (germline): Uncertain significance (1 of 4 stars; one submission).

Conditions:
RABL3-related disorder. Also called: RABL3-related condition.

Allele frequency attached by ClinVar (database versions not stated): gnomAD exomes below 0.00001; gnomAD 0.00001; TOPMed 0.00001.
gnomAD v4.1: 5 of 1,613,790 alleles (0.00031%); highest among the groups gnomAD compares: African/African-American, 0.0027%; no homozygotes.

Submission:

PreventionGenetics, part of Exact Sciences
Classification: Uncertain significance for RABL3-related condition. Last evaluated: 2022-10-01. Review status: criteria provided, single submitter. Criteria: ACMG Guidelines, 2015. Collection method: clinical testing. Allele origin: germline.
Comment: The RABL3 c.457C>G variant is predicted to result in the amino acid substitution p.His153Asp. To our knowledge, this variant has not been reported in the literature. This variant is reported in 0.0029% of alleles in individuals of Latino descent in gnomAD. At this time, the clinical significance of this variant is uncertain due to the absence of conclusive functional and genetic evidence.

NM_173825.5(RABL3):c.457C>G (p.His153Asp)

Gene: RABL3 (RAB, member of RAS oncogene family like 3; minus strand). Cytogenetic location: 3q13.33.
Variant type: single nucleotide variant.
Coding change: c.457C>G on transcript NM_173825.5 (MANE Select); coding-DNA position 457, C replaced by G.
Protein change: p.His153Asp; replaces histidine 153 with aspartic acid.
Molecular consequence: missense variant. On other transcripts: non-coding transcript variant (1).
Genome position (GRCh38, 1-based): chr3:120,698,500, G>C on the plus strand (C>G on the coding strand, the complement: RABL3 is on the minus strand). VCF-style: chr3-120698500-G-C. GRCh37 (hg19) VCF-style: chr3-120417347-G-C.
Other names: c.457C>G, p.His153Asp (NM_001363964.1, NM_001363965.1); short protein forms H153D.
Identifiers: ClinVar variation 2628378 (VCV002628378.1), dbSNP rs371895451, ClinGen allele CA81783241.
Genomic context (GRCh38, chr3:120,698,500, plus strand): 5'-GATTGAAATCCTCAGCCAGGAAAGCAGTCCTAGTTAAAACTTCATGGCGCTTTGTTTCAT[G>C]AATCTGGTCCAGTTTAGTCCCTATTACCAACAGTGGTATTTGGTTATCAGCAAACTGTTC-3'
Protein context (NP_776186.2, residues 143-163): LVIGTKLDQI[His153Asp]ETKRHEVLTR